The following is an entry in ClinVar:

NM_001035.3(RYR2):c.13327G>T (p.Glu4443Ter)

Gene: RYR2 (ryanodine receptor 2; plus strand). Cytogenetic location: 1q43.
Variant type: single nucleotide variant.
Coding change: c.13327G>T on transcript NM_001035.3 (MANE Select); coding-DNA position 13327, G replaced by T.
Protein change: p.Glu4443Ter; replaces glutamic acid 4443 with a stop codon.
Molecular consequence: nonsense.
Genome position (GRCh38, 1-based): chr1:237,786,035, G>T. VCF-style: chr1-237786035-G-T. GRCh37 (hg19) VCF-style: chr1-237949335-G-T.
Other names: short protein forms E4443*.
Identifiers: ClinVar variation 1770158 (VCV001770158.2), dbSNP rs1409192667, ClinGen allele CA345416008.

ClinVar aggregate classification (germline): Uncertain significance (1 of 4 stars; one submission).

Conditions:
Cardiovascular phenotype. Identifiers: MedGen CN230736.

gnomAD v4.1: 1 of 1,570,376 alleles (0.000064%); highest among the groups gnomAD compares: South Asian, 0.0012%; no homozygotes.

Submission:

Ambry Genetics
Classification: Uncertain significance for Cardiovascular phenotype. Last evaluated: 2020-03-23. Review status: criteria provided, single submitter. Criteria: Ambry Variant Classification Scheme 2023. Collection method: clinical testing. Allele origin: germline.
Comment: The p.E4443* variant (also known as c.13327G>T), located in coding exon 91 of the RYR2 gene, results from a G to T substitution at nucleotide position 13327. This changes the amino acid from a glutamic acid to a stop codon within coding exon 91. This alteration is expected to result in premature protein truncation or nonsense-mediated mRNA decay. However, loss of function of RYR2 has not been clearly established as a mechanism of disease. Since supporting evidence is limited at this time, the clinical significance of this alteration remains unclear.